The following is an entry in ClinVar:

NM_025114.4(CEP290):c.3605A>G (p.Lys1202Arg)

Gene: CEP290 (centrosomal protein 290; minus strand). Cytogenetic location: 12q21.32.
Variant type: single nucleotide variant.
Coding change: c.3605A>G on transcript NM_025114.4 (MANE Select); coding-DNA position 3605, A replaced by G.
Protein change: p.Lys1202Arg; replaces lysine 1202 with arginine.
Molecular consequence: missense variant.
Genome position (GRCh38, 1-based): chr12:88,089,456, T>C on the plus strand (A>G on the coding strand, the complement: CEP290 is on the minus strand). VCF-style: chr12-88089456-T-C. GRCh37 (hg19) VCF-style: chr12-88483233-T-C.
Other names: short protein forms K1202R.
Identifiers: ClinVar variation 654890 (VCV000654890.10), dbSNP rs375065584, ClinGen allele CA6712108.

ClinVar aggregate classification (germline): Uncertain significance. Review status: criteria provided, multiple submitters, no conflicts (2 of 4 stars). 6 submissions from 6 submitters: Uncertain significance (5). 1 of the submissions does not count toward it. Last evaluated 2025-08-28.

Conditions:
Inborn genetic diseases. Identifiers: MedGen C0950123, MeSH D030342.
Retinal dystrophy. Also called: Inherited retinal dystrophy. Identifiers: Orphanet 71862, MedGen C0854723, MeSH D058499, MONDO:0019118, HP:0000556.
Leber congenital amaurosis (LCA). Also called: Leber's amaurosis. Identifiers: Orphanet 65, MedGen C0339527, MeSH D057130, MONDO:0018998.
CEP290-related disorder. Also called: CEP290-related condition; CEP290-related disorders. Identifiers: MedGen CN239314.
Nephronophthisis. Also called: Juvenile Nephronophthisis. Identifiers: Orphanet 655, MedGen C0687120, MONDO:0019005, HP:0000090.
Joubert syndrome. Also called: Familial aplasia of the vermis; JOUBERT-BOLTSHAUSER SYNDROME. Identifiers: Orphanet 475, MedGen C5979921, MONDO:0018772.
Meckel-Gruber syndrome. Also called: DYSENCEPHALIA SPLANCHNOCYSTICA; GRUBER SYNDROME; Dysencephalia splachnocystica. Identifiers: Orphanet 564, MedGen C0265215, MONDO:0018921.
Senior-Loken syndrome 6 (SLSN6). Identifiers: Orphanet 3156, MedGen C1857779, MONDO:0012433, OMIM 610189.
Meckel syndrome, type 4 (MKS4). Also called: MECKEL-GRUBER SYNDROME, TYPE 4. Identifiers: Orphanet 564, MedGen C1970161, MONDO:0012626, OMIM 611134.
Bardet-Biedl syndrome 14 (BBS14). Identifiers: Orphanet 110, MedGen C2673874, MONDO:0014442, OMIM 615991.
Joubert syndrome 5 (JBTS5). Identifiers: Orphanet 2318, MedGen C1857780, MONDO:0012432, OMIM 610188.
Leber congenital amaurosis 10 (LCA10). Identifiers: Orphanet 65, MedGen C1857821, MONDO:0012723, OMIM 611755.

Allele frequency attached by ClinVar (database versions not stated): TOPMed 0.00001.
gnomAD v4.1: 21 of 1,569,688 alleles (0.0013%); highest among the groups gnomAD compares: Admixed American, 0.021%; no homozygotes.

Submissions (6):

PreventionGenetics, part of Exact Sciences
Classification: Uncertain significance for CEP290-related condition. Last evaluated: 2025-08-28. Review status: criteria provided, single submitter. Criteria: ACMG Guidelines, 2015. Collection method: clinical testing. Allele origin: germline.
Comment: The CEP290 c.3605A>G variant is predicted to result in the amino acid substitution p.Lys1202Arg. This variant was observed in the heterozygous state in a cohort study of obesity in a pediatric weight management program (Supplementary Table 1, Roberts et al. 2022. PubMed ID: 35562395). It was also observed in the heterozygous state in an individual with achromatopsia who also had variants in additional genes (Supplemental Table S4, Rodríguez-Muñoz et al. 2020. PubMed ID: 32036094). This variant is reported in 0.026% of alleles in individuals of Latino descent in gnomAD. At this time, the clinical significance of this variant is uncertain due to the absence of conclusive functional and genetic evidence.

Fulgent Genetics
Classification: Uncertain significance for Joubert syndrome 5; Senior-Loken syndrome 6; Meckel syndrome, type 4; Leber congenital amaurosis 10; Bardet-Biedl syndrome 14. Last evaluated: 2024-06-01. Review status: criteria provided, single submitter. Criteria: ACMG Guidelines, 2015. Collection method: clinical testing. Allele origin: germline.

Dept Of Ophthalmology, Nagoya University
Classification: Uncertain significance for Retinal dystrophy. Last evaluated: 2023-10-01. Review status: criteria provided, single submitter. Criteria: Submitter's publication. Collection method: research. Allele origin: germline. Affected: yes.

Labcorp Genetics (formerly Invitae), Labcorp
Classification: Uncertain significance for Joubert syndrome; Meckel-Gruber syndrome; Nephronophthisis. Last evaluated: 2022-07-15. Review status: criteria provided, single submitter. Criteria: Invitae Variant Classification Sherloc (09022015). Collection method: clinical testing. Allele origin: germline.
Comment: This sequence change replaces lysine, which is basic and polar, with arginine, which is basic and polar, at codon 1202 of the CEP290 protein (p.Lys1202Arg). This variant is present in population databases (rs375065584, gnomAD 0.03%). This variant has not been reported in the literature in individuals affected with CEP290-related conditions. ClinVar contains an entry for this variant (Variation ID: 654890). Algorithms developed to predict the effect of missense changes on protein structure and function (SIFT, PolyPhen-2, Align-GVGD) all suggest that this variant is likely to be disruptive. Algorithms developed to predict the effect of sequence changes on RNA splicing suggest that this variant may create or strengthen a splice site. In summary, the available evidence is currently insufficient to determine the role of this variant in disease. Therefore, it has been classified as a Variant of Uncertain Significance.

Ambry Genetics
Classification: Uncertain significance for Inborn genetic diseases. Last evaluated: 2022-01-18. Review status: criteria provided, single submitter. Criteria: Ambry Variant Classification Scheme 2023. Collection method: clinical testing. Allele origin: germline.

Natera, Inc.
Classification: Uncertain significance for Leber congenital amaurosis. Last evaluated: 2020-02-25. Review status: no assertion criteria provided. Collection method: clinical testing. Allele origin: germline. Not counted in ClinVar's aggregate classification.